The following is an entry in ClinVar:

NM_000478.6(ALPL):c.1157_1175inv (p.Gly386_Gly392delinsAlaThrGlyGlyValSerThr)

Gene: ALPL (alkaline phosphatase, biomineralization associated; plus strand). Cytogenetic location: 1p36.12.
Variant type: Inversion.
Coding change: c.1157_1175inv on transcript NM_000478.6 (MANE Select).
Protein change: p.Gly386_Gly392delinsAlaThrGlyGlyValSerThr.
Molecular consequence: missense variant.
Genome position: GRCh38: chr1:21,575,892-21,575,910. GRCh37 (hg19): chr1:21,902,385-21,902,403.
Other names: c.992_1010inv, p.Gly331_Gly337delinsAlaThrGlyGlyValSerThr (NM_001127501.4); c.926_944inv, p.Gly309_Gly315delinsAlaThrGlyGlyValSerThr (NM_001177520.3); c.1157_1175inv, p.Gly386_Gly392delinsAlaThrGlyGlyValSerThr (NM_001369803.2, NM_001369804.2, NM_001369805.2).
Identifiers: ClinVar variation 4086872 (VCV004086872.1).

ClinVar aggregate classification (germline): Uncertain significance (1 of 4 stars; one submission).

Conditions:
Hypophosphatasia. Also called: Phosphoethanol-aminuria. Identifiers: Orphanet 436, MedGen C0020630, MeSH D007014, MONDO:0018570.

Submission:

Genomenon, Inc
Classification: Uncertain significance for Hypophosphatasia. Last evaluated: 2025-08-29. Review status: criteria provided, single submitter. Criteria: Genomenon Sequence Variant Interpretation Standards. Collection method: curation. Allele origin: germline. Affected: yes.
Comment: ALPL p.Gly386_Gly392delinsAlaThrGlyGlyValSerThr (c.1157_1175inv) is an inversion variant that results in the removal of multiple amino acids, from Glycine at position 386 to Glycine at position 392, and inserts seven different amino acids. This variant has been observed in at least one proband affected with hypophosphatasia (PMID:36361766). It is absent or not present at a significant frequency in gnomAD. In conclusion, we classify ALPL p.Gly386_Gly392delinsAlaThrGlyGlyValSerThr (c.1157_1175inv) as a variant of unknown significance.

Literature cited by the submitters: PubMed 36361766.